The following is an entry in ClinVar:

NM_031885.5(BBS2):c.717+4A>G

Gene: BBS2 (Bardet-Biedl syndrome 2; minus strand). Cytogenetic location: 16q13.
Variant type: single nucleotide variant.
Coding change: c.717+4A>G on transcript NM_031885.5 (MANE Select); 4 bases into the intron after coding-DNA position 717, A replaced by G.
Molecular consequence: intron variant.
Genome position (GRCh38, 1-based): chr16:56,506,116, T>C on the plus strand (A>G on the coding strand, the complement: BBS2 is on the minus strand). VCF-style: chr16-56506116-T-C. GRCh37 (hg19) VCF-style: chr16-56540028-T-C.
Other names: c.717+4A>G (NM_001377456.1).
Identifiers: ClinVar variation 3350085 (VCV003350085.1).
Genomic context (GRCh38, chr16:56,506,116, plus strand): 5'-ATTAGCACAGAAGTCTCACAATAACTATCAAGCGCCTGAATATCAAAGGCTAAATTATAC[T>C]AACTTTAATTCTCCAGTATCGGGATGTTTTGTCATAAACTCCAACTGTGCCATTGGAAAG-3'

ClinVar aggregate classification (germline): Uncertain significance (0 of 4 stars; one submission).

Conditions:
BBS2-related disorder. Also called: BBS2-related disorders; BBS2-related condition. Identifiers: MedGen CN239228.

Submission:

PreventionGenetics, part of Exact Sciences
Classification: Uncertain significance for BBS2-related condition. Last evaluated: 2023-12-21. Review status: no assertion criteria provided. Collection method: clinical testing. Allele origin: germline.
Comment: The BBS2 c.717+4A>G variant is predicted to interfere with splicing. To our knowledge, this variant has not been reported in the literature or in a large population database, indicating this variant is rare. At this time, the clinical significance of this variant is uncertain due to the absence of conclusive functional and genetic evidence.